The following is an entry in ClinVar:

ClinVar aggregate classification (germline): Uncertain significance (1 of 4 stars; one submission).

Conditions:
Hereditary breast ovarian cancer syndrome. Also called: BRCA1- and BRCA2-Associated Hereditary Breast and Ovarian Cancer; Hereditary breast and ovarian cancer; Hereditary breast and ovarian cancer syndrome (HBOC); Hereditary breast and ovarian cancer syndrome; Hereditary breast and/or ovarian cancer syndrome; Breast and ovarian cancer. Identifiers: Orphanet 145, MedGen C0677776, MeSH D061325, MONDO:0003582. Disease mechanism: loss of function.

Submission:

Labcorp Genetics (formerly Invitae), Labcorp
Classification: Uncertain significance for Hereditary breast ovarian cancer syndrome. Last evaluated: 2023-11-25. Review status: criteria provided, single submitter. Criteria: Invitae Variant Classification Sherloc (09022015). Collection method: clinical testing. Allele origin: germline.
Comment: This sequence change replaces valine, which is neutral and non-polar, with alanine, which is neutral and non-polar, at codon 1493 of the BRCA1 protein (p.Val1493Ala). This variant is not present in population databases (gnomAD no frequency). This variant has not been reported in the literature in individuals affected with BRCA1-related conditions. Advanced modeling of protein sequence and biophysical properties (such as structural, functional, and spatial information, amino acid conservation, physicochemical variation, residue mobility, and thermodynamic stability) performed at Invitae indicates that this missense variant is not expected to disrupt BRCA1 protein function with a negative predictive value of 95%. In summary, the available evidence is currently insufficient to determine the role of this variant in disease. Therefore, it has been classified as a Variant of Uncertain Significance.

NM_007294.4(BRCA1):c.4478T>C (p.Val1493Ala)

Gene: BRCA1 (BRCA1 DNA repair associated; minus strand). Cytogenetic location: 17q21.31.
Variant type: single nucleotide variant.
Coding change: c.4478T>C on transcript NM_007294.4 (MANE Select); coding-DNA position 4478, T replaced by C.
Protein change: p.Val1493Ala; replaces valine 1493 with alanine.
Molecular consequence: missense variant. On other transcripts: intron variant (3).
Genome position (GRCh38, 1-based): chr17:43,076,494, A>G on the plus strand (T>C on the coding strand, the complement: BRCA1 is on the minus strand). VCF-style: chr17-43076494-A-G. GRCh37 (hg19) VCF-style: chr17-41228511-A-G.
Other names: c.1043T>C, p.Val348Ala (NM_001408443.1, NM_001408444.1, NM_001408432.1 and 10 more transcripts); c.4544T>C, p.Val1515Ala (NM_001407581.1, NM_001407582.1); c.4541T>C, p.Val1514Ala (NM_001407583.1, NM_001407585.1, NM_001407587.1 and 1 more transcripts); c.4538T>C, p.Val1513Ala (NM_001407590.1, NM_001407591.1); c.4478T>C, p.Val1493Ala (NM_001407594.1, NM_001407596.1, NM_001407598.1 and 8 more transcripts); c.1040T>C, p.Val347Ala (NM_001408450.1, NM_001408447.1, NM_001408448.1 and 2 more transcripts); c.1034T>C, p.Val345Ala (NM_001408451.1); c.788T>C, p.Val263Ala (NM_001408510.1); and 71 more; short protein forms V1197A, V1324A, V1364A, V1382A, V1405A, V1446A, V1424A, V1452A.
Identifiers: ClinVar variation 2698834 (VCV002698834.3), dbSNP rs2154057576, ClinGen allele CA10592575.